The following is an entry in ClinVar:

ClinVar aggregate classification (germline): Uncertain significance (1 of 4 stars; one submission).

Allele frequency attached by ClinVar (database versions not stated): gnomAD 0.00001; gnomAD exomes 0.00001; TOPMed 0.00002.
gnomAD v4.1: 15 of 1,551,932 alleles (0.00097%); highest among the groups gnomAD compares: Admixed American, 0.012%; no homozygotes.

Submission:

Labcorp Genetics (formerly Invitae), Labcorp
Classification: Uncertain significance. Last evaluated: 2022-03-19. Review status: criteria provided, single submitter. Criteria: Invitae Variant Classification Sherloc (09022015). Collection method: clinical testing. Allele origin: germline.
Comment: This sequence change creates a premature translational stop signal (p.Gln361*) in the KPNA7 gene. It is expected to result in an absent or disrupted protein product. However, the current clinical and genetic evidence is not sufficient to establish whether loss-of-function variants in KPNA7 cause disease. This variant is present in population databases (no rsID available, gnomAD 0.01%). This variant has not been reported in the literature in individuals affected with KPNA7-related conditions. In summary, the available evidence is currently insufficient to determine the role of this variant in disease. Therefore, it has been classified as a Variant of Uncertain Significance.

NM_001145715.3(KPNA7):c.1081C>T (p.Gln361Ter)

Gene: KPNA7 (karyopherin subunit alpha 7; minus strand). Cytogenetic location: 7q22.1.
Variant type: single nucleotide variant.
Coding change: c.1081C>T on transcript NM_001145715.3 (MANE Select); coding-DNA position 1081, C replaced by T.
Protein change: p.Gln361Ter; replaces glutamine 361 with a stop codon.
Molecular consequence: nonsense.
Genome position (GRCh38, 1-based): chr7:99,184,982, G>A on the plus strand (C>T on the coding strand, the complement: KPNA7 is on the minus strand). VCF-style: chr7-99184982-G-A. GRCh37 (hg19) VCF-style: chr7-98782605-G-A.
Other names: short protein forms Q361*.
Identifiers: ClinVar variation 2145263 (VCV002145263.1), dbSNP rs1471847710, ClinGen allele CA368419167.